The following is an entry in ClinVar:

ClinVar aggregate classification (germline): Pathogenic (1 of 4 stars; one submission).

Conditions:
Paget disease of bone 2, early-onset (PDB2). Also called: Paget disease of bone 2. Identifiers: MedGen C4085251, MONDO:0011183, OMIM 602080.
Frontotemporal dementia and/or amyotrophic lateral sclerosis 1 (FTDALS1). Also called: Frontotemporal dementia with motor neuron disease 1; C9orf72 Frontotemporal Dementia and/or Amyotrophic Lateral Sclerosis. Identifiers: Orphanet 275872, MedGen C5779877, MONDO:0007105, OMIM 105550.

Submission:

Labcorp Genetics (formerly Invitae), Labcorp
Classification: Pathogenic for Paget disease of bone 2, early-onset; Frontotemporal dementia and/or amyotrophic lateral sclerosis 1. Last evaluated: 2022-10-20. Review status: criteria provided, single submitter. Criteria: Invitae Variant Classification Sherloc (09022015). Collection method: clinical testing. Allele origin: germline.
Comment: For these reasons, this variant has been classified as Pathogenic. This variant has not been reported in the literature in individuals affected with SQSTM1-related conditions. This variant is not present in population databases (gnomAD no frequency). This sequence change creates a premature translational stop signal (p.Glu301*) in the SQSTM1 gene. It is expected to result in an absent or disrupted protein product. Loss-of-function variants in SQSTM1 are known to be pathogenic (PMID: 27545679, 29959261).

Literature cited by the submitters: PubMed 27545679; PubMed 29959261.

NM_003900.5(SQSTM1):c.901G>T (p.Glu301Ter)

Gene: SQSTM1 (sequestosome 1; plus strand). Cytogenetic location: 5q35.3.
Variant type: single nucleotide variant.
Coding change: c.901G>T on transcript NM_003900.5 (MANE Select); coding-DNA position 901, G replaced by T.
Protein change: p.Glu301Ter; replaces glutamic acid 301 with a stop codon.
Molecular consequence: nonsense.
Genome position (GRCh38, 1-based): chr5:179,833,178, G>T. VCF-style: chr5-179833178-G-T. GRCh37 (hg19) VCF-style: chr5-179260178-G-T.
Other names: c.649G>T, p.Glu217Ter (NM_001142298.2, NM_001142299.2); short protein forms E217*, E301*.
Identifiers: ClinVar variation 2166073 (VCV002166073.4), dbSNP rs1258386028, ClinGen allele CA362451702.
Genomic context (GRCh38, chr5:179,833,178, plus strand): 5'-AAGAGCAGCTCACAGCCAAGCAGCTGCTGCTCTGACCCCAGCAAGCCGGGTGGGAATGTT[G>T]AGGGCGCCACGCAGTCTCTGGCGGAGCAGATGAGGAAGATCGCCTTGGAGTCCGAGGGGC-3'